The following is an entry in ClinVar:

NM_002234.4(KCNA5):c.1043G>A (p.Ser348Asn)

Gene: KCNA5 (potassium voltage-gated channel subfamily A member 5; plus strand). Cytogenetic location: 12p13.32.
Variant type: single nucleotide variant.
Coding change: c.1043G>A on transcript NM_002234.4 (MANE Select); coding-DNA position 1043, G replaced by A.
Protein change: p.Ser348Asn; replaces serine 348 with asparagine.
Molecular consequence: missense variant.
Genome position (GRCh38, 1-based): chr12:5,045,190, G>A. VCF-style: chr12-5045190-G-A. GRCh37 (hg19) VCF-style: chr12-5154356-G-A.
Other names: short protein forms S348N.
Identifiers: ClinVar variation 1024450 (VCV001024450.9), dbSNP rs755829081, ClinGen allele CA6399793.
Genomic context (GRCh38, chr12:5,045,190, plus strand): 5'-AGACCACGTGCGTCATCTGGTTCACCTTCGAGCTGCTCGTGCGCTTCTTCGCCTGCCCCA[G>A]CAAGGCAGGGTTCTCCCGGAACATCATGAACATCATCGATGTGGTGGCCATCTTCCCCTA-3'
Protein context (NP_002225.2, residues 338-358): ELLVRFFACP[Ser348Asn]KAGFSRNIMN

ClinVar aggregate classification (germline): Uncertain significance. Review status: criteria provided, multiple submitters, no conflicts (2 of 4 stars). 2 submissions from 2 submitters: Uncertain significance (2). Last evaluated 2025-08-17.

Conditions:
Atrial fibrillation, familial, 7 (ATFB7). Identifiers: MedGen C2677106, MONDO:0012828, OMIM 612240.

Allele frequency attached by ClinVar (database versions not stated): gnomAD exomes below 0.00001; ExAC 0.00001; TOPMed 0.00003.
gnomAD v4.1: 2 of 1,614,202 alleles (0.00012%); highest among the groups gnomAD compares: African/African-American, 0.0013%; no homozygotes.

Submissions (2):

Labcorp Genetics (formerly Invitae), Labcorp
Classification: Uncertain significance for Atrial fibrillation, familial, 7. Last evaluated: 2025-08-17. Review status: criteria provided, single submitter. Criteria: Invitae Variant Classification Sherloc (09022015). Collection method: clinical testing. Allele origin: germline.
Comment: This sequence change replaces serine, which is neutral and polar, with asparagine, which is neutral and polar, at codon 348 of the KCNA5 protein (p.Ser348Asn). This variant is present in population databases (rs755829081, gnomAD 0.007%). This missense change has been observed in individual(s) with pulmonary arterial hypertension (PMID: 31727138). ClinVar contains an entry for this variant (Variation ID: 1024450). Invitae Evidence Modeling of protein sequence and biophysical properties (such as structural, functional, and spatial information, amino acid conservation, physicochemical variation, residue mobility, and thermodynamic stability) indicates that this missense variant is not expected to disrupt KCNA5 protein function with a negative predictive value of 80%. In summary, the available evidence is currently insufficient to determine the role of this variant in disease. Therefore, it has been classified as a Variant of Uncertain Significance.

Fulgent Genetics
Classification: Uncertain significance for Atrial fibrillation, familial, 7. Last evaluated: 2021-08-15. Review status: criteria provided, single submitter. Criteria: ACMG Guidelines, 2015. Collection method: clinical testing. Allele origin: unknown.

Literature cited by the submitters: PubMed 31727138 (cited by Labcorp Genetics (formerly Invitae), Labcorp).